The following is an entry in ClinVar:

NM_014159.7(SETD2):c.1367G>A (p.Arg456Gln)

Gene: SETD2 (SET domain containing 2, histone lysine methyltransferase; minus strand). Cytogenetic location: 3p21.31.
Variant type: single nucleotide variant.
Coding change: c.1367G>A on transcript NM_014159.7 (MANE Select); coding-DNA position 1367, G replaced by A.
Protein change: p.Arg456Gln; replaces arginine 456 with glutamine.
Molecular consequence: missense variant. On other transcripts: non-coding transcript variant (1).
Genome position (GRCh38, 1-based): chr3:47,123,269, C>T on the plus strand (G>A on the coding strand, the complement: SETD2 is on the minus strand). VCF-style: chr3-47123269-C-T. GRCh37 (hg19) VCF-style: chr3-47164759-C-T.
Other names: c.1235G>A, p.Arg412Gln (NM_001349370.3); short protein forms R456Q, R412Q.
Identifiers: ClinVar variation 2057638 (VCV002057638.4), dbSNP rs777476264, ClinGen allele CA73811524.

ClinVar aggregate classification (germline): Uncertain significance (1 of 4 stars; one submission).

Conditions:
Luscan-Lumish syndrome. Identifiers: Orphanet 597738, MedGen C4085873, MONDO:0014791, OMIM 616831.

Allele frequency attached by ClinVar (database versions not stated): gnomAD 0.00001; TOPMed 0.00001.
gnomAD v4.1: 89 of 1,552,486 alleles (0.0057%); highest among the groups gnomAD compares: Non-Finnish European, 0.0076%; no homozygotes.

Submission:

Labcorp Genetics (formerly Invitae), Labcorp
Classification: Uncertain significance for Luscan-Lumish syndrome. Last evaluated: 2024-12-18. Review status: criteria provided, single submitter. Criteria: Invitae Variant Classification Sherloc (09022015). Collection method: clinical testing. Allele origin: germline.
Comment: This sequence change replaces arginine, which is basic and polar, with glutamine, which is neutral and polar, at codon 456 of the SETD2 protein (p.Arg456Gln). This variant is present in population databases (rs777476264, gnomAD 0.006%). This missense change has been observed in individual(s) with neurodevelopmental disorders (PMID: 33004838). ClinVar contains an entry for this variant (Variation ID: 2057638). Invitae Evidence Modeling of protein sequence and biophysical properties (such as structural, functional, and spatial information, amino acid conservation, physicochemical variation, residue mobility, and thermodynamic stability) indicates that this missense variant is expected to disrupt SETD2 protein function with a positive predictive value of 80%. In summary, the available evidence is currently insufficient to determine the role of this variant in disease. Therefore, it has been classified as a Variant of Uncertain Significance.

Literature cited by the submitters: PubMed 33004838.